The following is an entry in ClinVar:

ClinVar aggregate classification (germline): Likely pathogenic (1 of 4 stars; one submission).

Conditions:
Dilated cardiomyopathy 1G (CMD1G). Identifiers: Orphanet 154, MedGen C1858763, MONDO:0011400, OMIM 604145.
Autosomal recessive limb-girdle muscular dystrophy type 2J (LGMDR10). Also called: Limb-girdle muscular dystrophy, type 2J; MUSCULAR DYSTROPHY, LIMB-GIRDLE, AUTOSOMAL RECESSIVE 10. Identifiers: Orphanet 140922, MedGen C1837342, MONDO:0012127, OMIM 608807.

Submission:

Labcorp Genetics (formerly Invitae), Labcorp
Classification: Likely pathogenic for Dilated cardiomyopathy 1G; Autosomal recessive limb-girdle muscular dystrophy type 2J. Last evaluated: 2024-08-05. Review status: criteria provided, single submitter. Criteria: Invitae Variant Classification Sherloc (09022015). Collection method: clinical testing. Allele origin: germline.
Comment: This sequence change creates a premature translational stop signal (p.Tyr27429*) in the TTN gene. While this is not anticipated to result in nonsense mediated decay, it is expected to create a truncated TTN protein. This variant is not present in population databases (gnomAD no frequency). This variant has not been reported in the literature in individuals affected with TTN-related conditions. This variant is located in the A band of TTN (PMID: 25589632). Truncating variants in this region are significantly overrepresented in patients affected with dilated cardiomyopathy (PMID: 25589632). Truncating variants in this region have also been reported in individuals affected with autosomal recessive centronuclear myopathy (PMID: 23975875). In summary, the currently available evidence indicates that the variant is pathogenic, but additional data are needed to prove that conclusively. Therefore, this variant has been classified as Likely Pathogenic.

Literature cited by the submitters: PubMed 25589632; PubMed 23975875.

NM_001267550.2(TTN):c.82286dup (p.Tyr27429Ter)

Genes: TTN-AS1 (TTN antisense RNA 1; plus strand), TTN (titin; minus strand). Cytogenetic location: 2q31.2.
Variant type: Duplication.
Coding change: c.82286dup on transcript NM_001267550.2 (MANE Select); coding-DNA position 82286, one base duplicated (A; older notation c.82286dupA).
Protein change: p.Tyr27429Ter; replaces tyrosine 27429 with a stop codon.
Molecular consequence: nonsense.
Genome position (GRCh38, 1-based): chr2:178,563,846, T duplicated on the plus strand (A on the coding strand, the reverse complement: TTN is on the minus strand). VCF-style (leftmost placement, unchanged base first): chr2-178563845-G-GT. GRCh37 (hg19) VCF-style: chr2-179428572-G-GT.
Other names: c.77363dup, p.Tyr25788Ter (NM_001256850.1); c.55091dup, p.Tyr18364Ter (NM_003319.4); c.74582dup, p.Tyr24861Ter (NM_133378.4); c.55466dup, p.Tyr18489Ter (NM_133432.3); c.55667dup, p.Tyr18556Ter (NM_133437.4); short protein forms Y18364*, Y18489*, Y18556*, Y24861*, Y25788*, Y27429*.
Identifiers: ClinVar variation 3757537 (VCV003757537.2).